The following is an entry in ClinVar:

ClinVar aggregate classification (germline): Benign (1 of 4 stars; one submission).

Submission:

CeGaT Center for Human Genetics Tuebingen
Classification: Benign. Last evaluated: 2023-01-01. Review status: criteria provided, single submitter. Criteria: CeGaT Center For Human Genetics Tuebingen Variant Classification Criteria Version 2. Collection method: clinical testing. Allele origin: germline. Affected: yes. Observed: 1 variant allele.
Comment: HRAS: BS1, BS2

NC_000011.10:g.530447_530474del

Genes: HRAS (HRas proto-oncogene, GTPase; minus strand), LRRC56 (leucine rich repeat containing 56; plus strand). Cytogenetic location: 11p15.5.
Variant type: Deletion.
Genome position: GRCh38 VCF-style: chr11-530438-CAGAAGGGCAAGTGTGGCGTCCCCTGGAG-C. GRCh37 (hg19) VCF-style: chr11-530438-CAGAAGGGCAAGTGTGGCGTCCCCTGGAG-C.
Identifiers: ClinVar variation 2641058 (VCV002641058.24), dbSNP rs1564785575, ClinGen allele CA596788840.